The following is an entry in ClinVar:

NM_144999.4(LRRC45):c.1107C>A (p.Asn369Lys)

Gene: LRRC45 (leucine rich repeat containing 45; plus strand). Cytogenetic location: 17q25.3.
Variant type: single nucleotide variant.
Coding change: c.1107C>A on transcript NM_144999.4 (MANE Select); coding-DNA position 1107, C replaced by A.
Protein change: p.Asn369Lys; replaces asparagine 369 with lysine.
Molecular consequence: missense variant.
Genome position (GRCh38, 1-based): chr17:82,028,293, C>A. VCF-style: chr17-82028293-C-A. GRCh37 (hg19) VCF-style: chr17-79986169-C-A.
Other names: c.1107C>A (NM_144999.3); short protein forms N369K.
Identifiers: ClinVar variation 4547885 (VCV004547885.2).

ClinVar aggregate classification (germline): Uncertain significance. Review status: criteria provided, multiple submitters, no conflicts (2 of 4 stars). 2 submissions from 2 submitters: Uncertain significance (2). Last evaluated 2026-06-08.

Conditions:
LRRC45-related disorder. Also called: LRRC45-related condition.

Submissions (2):

PreventionGenetics, part of Exact Sciences
Classification: Uncertain significance for LRRC45-related condition. Last evaluated: 2026-06-08. Review status: criteria provided, single submitter. Criteria: ACMG Guidelines, 2015. Collection method: clinical testing. Allele origin: germline.
Comment: The LRRC45 c.1107C>A variant is predicted to result in the amino acid substitution p.Asn369Lys. To our knowledge, this variant has not been reported in the literature. This variant is reported in 0.0033% of alleles in individuals of European (Non-Finnish) descent in gnomAD. At this time, the clinical significance of this variant is uncertain due to the absence of conclusive functional and genetic evidence.

Ambry Genetics
Classification: Uncertain significance. Last evaluated: 2025-10-07. Review status: criteria provided, single submitter. Criteria: Ambry Variant Classification Scheme 2023. Collection method: clinical testing. Allele origin: germline.